The following is an entry in ClinVar:

NM_020822.3(KCNT1):c.2009-206G>A

Gene: KCNT1 (potassium sodium-activated channel subfamily T member 1; plus strand). Cytogenetic location: 9q34.3.
Variant type: single nucleotide variant.
Coding change: c.2009-206G>A on transcript NM_020822.3 (MANE Select); 206 bases into the intron before coding-DNA position 2009, G replaced by A.
Molecular consequence: intron variant.
Genome position (GRCh38, 1-based): chr9:135,772,509, G>A. VCF-style: chr9-135772509-G-A. GRCh37 (hg19) VCF-style: chr9-138664355-G-A.
Other names: c.1874-206G>A (NM_001272003.2).
Identifiers: ClinVar variation 677348 (VCV000677348.2), dbSNP rs112152062, ClinGen allele CA16376459.

ClinVar aggregate classification (germline): Benign. Review status: criteria provided, multiple submitters, no conflicts (2 of 4 stars). 2 submissions from 2 submitters: Benign (2). Last evaluated 2018-06-19.

Allele frequency attached by ClinVar (database versions not stated): 1000 Genomes Project 0.02376; 1000 Genomes Project 30x 0.02483; gnomAD 0.02568 and 0.02771; TOPMed 0.02822.
gnomAD v4.1: 3,863 of 152,272 alleles (2.5%); highest among the groups gnomAD compares: African/African-American, 8.9%; 168 homozygotes.

Submissions (2):

GeneDx
Classification: Benign. Last evaluated: 2018-06-19. Review status: criteria provided, single submitter. Criteria: GeneDx Variant Classification (06012015). Collection method: clinical testing. Allele origin: germline. Affected: yes.
Comment: This variant is considered likely benign or benign based on one or more of the following criteria: it is a conservative change, it occurs at a poorly conserved position in the protein, it is predicted to be benign by multiple in silico algorithms, and/or has population frequency not consistent with disease.

Breakthrough Genomics
Classification: Benign. Review status: criteria provided, single submitter. Criteria: ACMG Guidelines, 2015. Collection method: not provided. Allele origin: germline. Inheritance: Autosomal dominant inheritance. Affected: yes.